The following is an entry in ClinVar:

ClinVar aggregate classification (germline): Uncertain significance. Review status: criteria provided, multiple submitters, no conflicts (2 of 4 stars). 2 submissions from 2 submitters: Uncertain significance (2). Last evaluated 2025-06-10.

Conditions:
Cardiovascular phenotype. Identifiers: MedGen CN230736.

Allele frequency attached by ClinVar (database versions not stated): gnomAD exomes below 0.00001 and 0.00001; gnomAD 0.00001; TOPMed 0.00001.
gnomAD v4.1: 7 of 1,549,820 alleles (0.00045%); highest among the groups gnomAD compares: African/African-American, 0.0041%; 1 homozygote.

Submissions (2):

Ambry Genetics
Classification: Uncertain significance for Cardiovascular phenotype. Last evaluated: 2025-06-10. Review status: criteria provided, single submitter. Criteria: Ambry Variant Classification Scheme 2023. Collection method: clinical testing. Allele origin: germline.

Labcorp Genetics (formerly Invitae), Labcorp
Classification: Uncertain significance. Last evaluated: 2022-07-06. Review status: criteria provided, single submitter. Criteria: Invitae Variant Classification Sherloc (09022015). Collection method: clinical testing. Allele origin: germline.
Comment: In summary, the available evidence is currently insufficient to determine the role of this variant in disease. Therefore, it has been classified as a Variant of Uncertain Significance. Algorithms developed to predict the effect of missense changes on protein structure and function (SIFT, PolyPhen-2, Align-GVGD) all suggest that this variant is likely to be tolerated. ClinVar contains an entry for this variant (Variation ID: 1490245). This variant has not been reported in the literature in individuals affected with ZNF469-related conditions. This variant is present in population databases (no rsID available, gnomAD 0.004%). This sequence change replaces glycine, which is neutral and non-polar, with glutamic acid, which is acidic and polar, at codon 2277 of the ZNF469 protein (p.Gly2277Glu).

NM_001367624.2(ZNF469):c.6914G>A (p.Gly2305Glu)

Gene: ZNF469 (zinc finger protein 469; plus strand). Cytogenetic location: 16q24.2.
Variant type: single nucleotide variant.
Coding change: c.6914G>A on transcript NM_001367624.2 (MANE Select); coding-DNA position 6914, G replaced by A.
Protein change: p.Gly2305Glu; replaces glycine 2305 with glutamic acid.
Molecular consequence: missense variant.
Genome position (GRCh38, 1-based): chr16:88,434,384, G>A. VCF-style: chr16-88434384-G-A. GRCh37 (hg19) VCF-style: chr16-88500792-G-A.
Other names: NM_001127464.1:c.6830G>A; short protein forms G2305E.
Identifiers: ClinVar variation 1490245 (VCV001490245.10), dbSNP rs868678097, ClinGen allele CA286382167.